The following is an entry in ClinVar:

NM_181458.4(PAX3):c.1160G>A (p.Gly387Asp)

Genes: PAX3 (paired box 3; minus strand), LOC126806529 (CDK7 strongly-dependent group 2 enhancer GRCh37_chr2:223084735-223085934; plus strand). Cytogenetic location: 2q36.1.
Variant type: single nucleotide variant.
Coding change: c.1160G>A on transcript NM_181458.4 (MANE Select); coding-DNA position 1160, G replaced by A.
Protein change: p.Gly387Asp; replaces glycine 387 with aspartic acid.
Molecular consequence: missense variant.
Genome position (GRCh38, 1-based): chr2:222,220,153, C>T on the plus strand (G>A on the coding strand, the complement: PAX3 is on the minus strand). VCF-style: chr2-222220153-C-T. GRCh37 (hg19) VCF-style: chr2-223084872-C-T.
Other names: c.1157G>A, p.Gly386Asp (NM_001127366.3); c.1160G>A, p.Gly387Asp (NM_181457.4, NM_181459.4, NM_181460.4 and 1 more transcripts); c.1160G>A (NM_181457.3); short protein forms G387D, G386D.
Identifiers: ClinVar variation 1941819 (VCV001941819.6), dbSNP rs987480491, ClinGen allele CA66332039.
Genomic context (GRCh38, chr2:222,220,153, plus strand): 5'-TGGTTCTGGTATACAGCAAATCGTCTGTCTAGAAACACGGGACTGACCTGAGGTGAGAGG[C>T]CATTGCCAATGGTGGGGTTCATGGGGTTGGAGGGCCCCGACGGAGGCACAAAGCTGTCTG-3'
Protein context (NP_852123.1, residues 377-397): SNPMNPTIGN[Gly387Asp]LSPQVMGLLT

ClinVar aggregate classification (germline): Uncertain significance. Review status: criteria provided, multiple submitters, no conflicts (2 of 4 stars). 2 submissions from 2 submitters: Uncertain significance (2). Last evaluated 2025-10-07.

Conditions:
PAX3-related disorder. Also called: PAX3-related condition.

Allele frequency attached by ClinVar (database versions not stated): gnomAD exomes below 0.00001; gnomAD 0.00001; TOPMed 0.00006.
gnomAD v4.1: 3 of 1,613,374 alleles (0.00019%); highest among the groups gnomAD compares: Admixed American, 0.0033%; no homozygotes.

Submissions (2):

PreventionGenetics, part of Exact Sciences
Classification: Uncertain significance for PAX3-related condition. Last evaluated: 2025-10-07. Review status: criteria provided, single submitter. Criteria: ACMG Guidelines, 2015. Collection method: clinical testing. Allele origin: germline.
Comment: The PAX3 c.1160G>A variant is predicted to result in the amino acid substitution p.Gly387Asp. To our knowledge, this variant has not been reported in the literature or in a large population database (gnomAD), indicating this variant is rare. At this time, the clinical significance of this variant is uncertain due to the absence of conclusive functional and genetic evidence.

Labcorp Genetics (formerly Invitae), Labcorp
Classification: Uncertain significance. Last evaluated: 2022-09-23. Review status: criteria provided, single submitter. Criteria: Invitae Variant Classification Sherloc (09022015). Collection method: clinical testing. Allele origin: germline.
Comment: This variant has not been reported in the literature in individuals affected with PAX3-related conditions. This variant is not present in population databases (gnomAD no frequency). This sequence change replaces glycine, which is neutral and non-polar, with aspartic acid, which is acidic and polar, at codon 387 of the PAX3 protein (p.Gly387Asp). Advanced modeling of protein sequence and biophysical properties (such as structural, functional, and spatial information, amino acid conservation, physicochemical variation, residue mobility, and thermodynamic stability) performed at Invitae indicates that this missense variant is not expected to disrupt PAX3 protein function. In summary, the available evidence is currently insufficient to determine the role of this variant in disease. Therefore, it has been classified as a Variant of Uncertain Significance.